The following is an entry in ClinVar:

NM_006979.3(SLC39A7):c.1006G>C (p.Ala336Pro)

Gene: SLC39A7 (solute carrier family 39 member 7; plus strand). Cytogenetic location: 6p21.32.
Variant type: single nucleotide variant.
Coding change: c.1006G>C on transcript NM_006979.3 (MANE Select); coding-DNA position 1006, G replaced by C.
Protein change: p.Ala336Pro; replaces alanine 336 with proline.
Molecular consequence: missense variant.
Genome position (GRCh38, 1-based): chr6:33,202,975, G>C. VCF-style: chr6-33202975-G-C. GRCh37 (hg19) VCF-style: chr6-33170752-G-C.
Other names: c.1006G>C, p.Ala336Pro (NM_001077516.2); c.631G>C, p.Ala211Pro (NM_001288777.2); short protein forms A211P, A336P.
Identifiers: ClinVar variation 1370311 (VCV001370311.8), dbSNP rs905949732, ClinGen allele CA363645008.

ClinVar aggregate classification (germline): Uncertain significance (1 of 4 stars; one submission).

gnomAD v4.1: 4 of 1,612,592 alleles (0.00025%); highest among the groups gnomAD compares: Non-Finnish European, 0.00034%; no homozygotes.

Submission:

Labcorp Genetics (formerly Invitae), Labcorp
Classification: Uncertain significance. Last evaluated: 2021-07-27. Review status: criteria provided, single submitter. Criteria: Invitae Variant Classification Sherloc (09022015). Collection method: clinical testing. Allele origin: germline.
Comment: This variant is not present in population databases (ExAC no frequency). This sequence change replaces alanine with proline at codon 336 of the SLC39A7 protein (p.Ala336Pro). The alanine residue is highly conserved and there is a small physicochemical difference between alanine and proline. This variant has not been reported in the literature in individuals affected with SLC39A7-related conditions. In summary, the available evidence is currently insufficient to determine the role of this variant in disease. Therefore, it has been classified as a Variant of Uncertain Significance. Algorithms developed to predict the effect of missense changes on protein structure and function (SIFT, PolyPhen-2, Align-GVGD) all suggest that this variant is likely to be disruptive.